The following is an entry in ClinVar:

NM_001848.3(COL6A1):c.131C>G (p.Thr44Ser)

Gene: COL6A1 (collagen type VI alpha 1 chain; plus strand). Cytogenetic location: 21q22.3.
Variant type: single nucleotide variant.
Coding change: c.131C>G on transcript NM_001848.3 (MANE Select); coding-DNA position 131, C replaced by G.
Protein change: p.Thr44Ser; replaces threonine 44 with serine.
Molecular consequence: missense variant.
Genome position (GRCh38, 1-based): chr21:45,982,667, C>G. VCF-style: chr21-45982667-C-G. GRCh37 (hg19) VCF-style: chr21-47402581-C-G.
Other names: short protein forms T44S.
Identifiers: ClinVar variation 1435825 (VCV001435825.8), dbSNP rs2077714741, ClinGen allele CA410514541.

ClinVar aggregate classification (germline): Uncertain significance (1 of 4 stars; one submission).

Conditions:
Bethlem myopathy 1A. Also called: MYOPATHY, BENIGN CONGENITAL, WITH CONTRACTURES; Bethlem Muscular Dystrophy; Bethlem myopathy 1. Identifiers: Orphanet 610, MedGen CN029274, MONDO:0024530, OMIM 158810.

Allele frequency attached by ClinVar (database versions not stated): TOPMed below 0.00001; gnomAD 0.00001.
gnomAD v4.1: 1 of 1,612,810 alleles (0.000062%); highest among the groups gnomAD compares: Non-Finnish European, 0.000085%; no homozygotes.

Submission:

Labcorp Genetics (formerly Invitae), Labcorp
Classification: Uncertain significance for Bethlem myopathy 1A. Last evaluated: 2021-05-30. Review status: criteria provided, single submitter. Criteria: Invitae Variant Classification Sherloc (09022015). Collection method: clinical testing. Allele origin: germline.
Comment: In summary, the available evidence is currently insufficient to determine the role of this variant in disease. Therefore, it has been classified as a Variant of Uncertain Significance. Algorithms developed to predict the effect of sequence changes on RNA splicing suggest that this variant may create or strengthen a splice site, but this prediction has not been confirmed by published transcriptional studies. Advanced modeling of protein sequence and biophysical properties (such as structural, functional, and spatial information, amino acid conservation, physicochemical variation, residue mobility, and thermodynamic stability) performed at Invitae indicates that this missense variant is not expected to disrupt COL6A1 protein function. This variant has not been reported in the literature in individuals with COL6A1-related conditions. This variant is not present in population databases (ExAC no frequency). This sequence change replaces threonine with serine at codon 44 of the COL6A1 protein (p.Thr44Ser). The threonine residue is highly conserved and there is a small physicochemical difference between threonine and serine.